The following is an entry in ClinVar:

ClinVar aggregate classification (germline): Pathogenic. Review status: criteria provided, multiple submitters, no conflicts (2 of 4 stars). 6 submissions from 6 submitters: Pathogenic (5). 1 of the submissions does not count toward it. Last evaluated 2025-07-31.

Conditions:
Hereditary cancer-predisposing syndrome. Also called: Neoplastic Syndromes, Hereditary; Hereditary neoplastic syndrome; Tumor predisposition; Hereditary Cancer Syndrome. Identifiers: Orphanet 140162, MedGen C0027672, MeSH D009386, MONDO:0015356.
Ataxia-telangiectasia syndrome (AT). Also called: Ataxia telangiectasia (A-T); Cerebello-oculocutaneous telangiectasia; Immunodeficiency with ataxia telangiectasia; LOUIS-BAR SYNDROME; AT, COMPLEMENTATION GROUP C; ATAXIA-TELANGIECTASIA, FRESNO VARIANT. Identifiers: Orphanet 100, MedGen C0004135, MONDO:0008840, OMIM 208900.
Familial cancer of breast. Also called: hereditary breast carcinoma; Hereditary breast cancer; BREAST CANCER, FAMILIAL. Identifiers: Orphanet 227535, MedGen C0346153, MONDO:0016419, OMIM 114480. Disease mechanism: loss of function.

Allele frequency attached by ClinVar (database versions not stated): gnomAD exomes below 0.00001.

Submissions (6):

Ambry Genetics
Classification: Pathogenic for Hereditary cancer-predisposing syndrome. Last evaluated: 2025-07-31. Review status: criteria provided, single submitter. Criteria: Ambry Variant Classification Scheme 2023. Collection method: clinical testing. Allele origin: germline.
Comment: The c.8766dupT pathogenic mutation, located in coding exon 59 of the ATM gene, results from a duplication of T at nucleotide position 8766, causing a translational frameshift with a predicted alternate stop codon (p.V2923Cfs*2). This variant is considered to be rare based on population cohorts in the Genome Aggregation Database (gnomAD). This alteration is expected to result in loss of function by premature protein truncation or nonsense-mediated mRNA decay. As such, this alteration is interpreted as a disease-causing mutation.

GeneKor MSA
Classification: Pathogenic for Hereditary cancer-predisposing syndrome. Last evaluated: 2025-05-15. Review status: criteria provided, single submitter. Criteria: ACMG Guidelines, 2015. Collection method: clinical testing. Allele origin: germline. Affected: yes.
Comment: This variant is a single nucleotide duplication in exon 60 of the ATM mRNA c.(8766dup). This creates a premature translational stop signal 2 amino acid residues later p.(Val2923Cysfs*2) and is expected to result in an absent or non-functional protein product. Loss-of-function variants in ATM are known to be pathogenic (PMID:23807571, 25614872). This variant is present in population databases (rs876660813). This duplication has been reported in international literature in individuals with breast and pancreatic cancer and in compound heterozygous state with another pathogenic variant in individuals with Ataxia-telangiectasia (PMID:29522266, 31300551, 33429865, 9443866, 12072877, 12552559, 20051774). The mutation database ClinVar contains entries for this variant (VCV000234043.47). Based on the classification criteria set by the ACMG and AMP (PMID:25741868) this variant has been classified as pathogenic.

Color Diagnostics, LLC DBA Color Health
Classification: Pathogenic for Hereditary cancer-predisposing syndrome. Last evaluated: 2024-07-09. Review status: criteria provided, single submitter. Criteria: ACMG Guidelines, 2015. Collection method: clinical testing. Allele origin: germline.
Comment: This variant, also known as 8766insT or c.8766_8767insT, inserts 1 nucleotide in exon 60 of the ATM gene, creating a frameshift and premature translation stop signal. This variant is expected to result in an absent or non-functional protein product. This variant has been observed in the compound heterozygous state in individuals affected with autosomal recessive ataxia-telangiectasia (PMID: 9443866, 12072877, 12552559, 20051774), indicating that this variant contributes to disease. This variant has also been detected in individuals affected with breast cancer (PMID: 29522266, 31300551) or pancreatic adenocarcinoma (PMID: 33429865). This variant has not been identified in the general population by the Genome Aggregation Database (gnomAD). Loss of ATM function is a known mechanism of disease. Based on the available evidence, this variant is classified as Pathogenic.

CeGaT Center for Human Genetics Tuebingen
Classification: Pathogenic. Last evaluated: 2023-08-01. Review status: criteria provided, single submitter. Criteria: CeGaT Center For Human Genetics Tuebingen Variant Classification Criteria Version 2. Collection method: clinical testing. Allele origin: germline. Affected: yes. Observed: 1 variant allele.
Comment: ATM: PVS1, PM2, PS4:Moderate

Labcorp Genetics (formerly Invitae), Labcorp
Classification: Pathogenic for Ataxia-telangiectasia syndrome. Last evaluated: 2022-10-04. Review status: criteria provided, single submitter. Criteria: Invitae Variant Classification Sherloc (09022015). Collection method: clinical testing. Allele origin: germline.
Comment: This sequence change creates a premature translational stop signal (p.Val2923Cysfs*2) in the ATM gene. It is expected to result in an absent or disrupted protein product. Loss-of-function variants in ATM are known to be pathogenic (PMID: 23807571, 25614872). This variant is not present in population databases (gnomAD no frequency). This premature translational stop signal has been observed in individual(s) with clinical features of ataxia-telangiectasia (PMID: 9443866, 12552559). This variant is also known as 8766insT and c.8766_8767insT. ClinVar contains an entry for this variant (Variation ID: 234043). For these reasons, this variant has been classified as Pathogenic.

BRCAlab, Lund University
Classification: Pathogenic for Familial cancer of breast. Last evaluated: 2022-08-26. Review status: no assertion criteria provided. Collection method: clinical testing. Allele origin: germline. Affected: yes. Not counted in ClinVar's aggregate classification.

Literature cited by the submitters: PubMed 9443866 (cited by 4 submitters); PubMed 23807571 (cited by GeneKor MSA and Labcorp Genetics (formerly Invitae), Labcorp); PubMed 25614872 (cited by GeneKor MSA and Labcorp Genetics (formerly Invitae), Labcorp); PubMed 29522266 (cited by GeneKor MSA and Color Diagnostics, LLC DBA Color Health); PubMed 31300551 (cited by GeneKor MSA and Color Diagnostics, LLC DBA Color Health); PubMed 33429865 (cited by GeneKor MSA and Color Diagnostics, LLC DBA Color Health); PubMed 12072877 (cited by GeneKor MSA and Color Diagnostics, LLC DBA Color Health); PubMed 12552559 (cited by 3 submitters); PubMed 20051774 (cited by GeneKor MSA and Color Diagnostics, LLC DBA Color Health).

NM_000051.4(ATM):c.8766dup (p.Val2923fs)

Genes: ATM (ATM serine/threonine kinase; plus strand), C11orf65 (chromosome 11 open reading frame 65; minus strand). Cytogenetic location: 11q22.3.
Variant type: Duplication.
Coding change: c.8766dup on transcript NM_000051.4 (MANE Select); coding-DNA position 8766, one base duplicated (T; older notation c.8766dupT).
Protein change: p.Val2923fs; shifts the reading frame from valine 2923.
Molecular consequence: frameshift variant. On other transcripts: intron variant (2).
Genome position (GRCh38, 1-based): chr11:108,353,860, T duplicated. VCF-style (leftmost placement, unchanged base first): chr11-108353859-G-GT. GRCh37 (hg19) VCF-style: chr11-108224586-G-GT.
Other names: c.8766dupT (NM_000051.3); c.8766dup, p.Val2923fs (NM_001351834.2); c.640+32060dup (NM_001330368.2); c.695-18568dup (NM_001351110.2); short protein forms V2923fs.
Identifiers: ClinVar variation 234043 (VCV000234043.57), dbSNP rs876660813, ClinGen allele CA10579317.